The following is an entry in ClinVar:

NM_006084.5(IRF9):c.554G>C (p.Ser185Thr)

Gene: IRF9 (interferon regulatory factor 9; plus strand). Cytogenetic location: 14q12.
Variant type: single nucleotide variant.
Coding change: c.554G>C on transcript NM_006084.5 (MANE Select); coding-DNA position 554, G replaced by C.
Protein change: p.Ser185Thr; replaces serine 185 with threonine.
Molecular consequence: missense variant.
Genome position (GRCh38, 1-based): chr14:24,163,936, G>C. VCF-style: chr14-24163936-G-C. GRCh37 (hg19) VCF-style: chr14-24633145-G-C.
Other names: c.554G>C, p.Ser185Thr (NM_001385400.1, NM_001385401.1, NM_001385402.1); short protein forms S185T.
Identifiers: ClinVar variation 3614205 (VCV003614205.2).

ClinVar aggregate classification (germline): Uncertain significance (1 of 4 stars; one submission).

gnomAD v4.1: 13 of 1,605,850 alleles (0.00081%); highest among the groups gnomAD compares: Non-Finnish European, 0.000085%; no homozygotes.

Submission:

Labcorp Genetics (formerly Invitae), Labcorp
Classification: Uncertain significance. Last evaluated: 2024-09-01. Review status: criteria provided, single submitter. Criteria: Invitae Variant Classification Sherloc (09022015). Collection method: clinical testing. Allele origin: germline.
Comment: This sequence change replaces serine, which is neutral and polar, with threonine, which is neutral and polar, at codon 185 of the IRF9 protein (p.Ser185Thr). This variant is present in population databases (rs777271237, gnomAD 0.04%). This variant has not been reported in the literature in individuals affected with IRF9-related conditions. An algorithm developed to predict the effect of missense changes on protein structure and function (PolyPhen-2) suggests that this variant is likely to be tolerated. In summary, the available evidence is currently insufficient to determine the role of this variant in disease. Therefore, it has been classified as a Variant of Uncertain Significance.